The following continues an entry in ClinVar:

NM_000128.4(F11):c.901T>C (p.Phe301Leu)

Gene: F11. ClinVar aggregate classification (germline): Pathogenic/Likely pathogenic. Pathogenic (20); Likely pathogenic (1).

Submissions 26 to 27 of 27:

OMIM
Classification: Pathogenic for FACTOR XI DEFICIENCY. Last evaluated: 1992-03-15. Review status: no assertion criteria provided. Collection method: literature only. Allele origin: germline. Not counted in ClinVar's aggregate classification.

Department of Pathology and Laboratory Medicine, Sinai Health System
Classification: Pathogenic for Hereditary factor XI deficiency disease. Review status: no assertion criteria provided. Collection method: clinical testing. Allele origin: unknown. Affected: yes. Study: The Canadian Open Genetics Repository (COGR). Not counted in ClinVar's aggregate classification.
Comment: The F11 p.F301L variant has been reported in multiple individuals with factor XI deficiency and is an Ashkenazi Jewish founder mutation, reported to account for 47% of Ashkenazi Jewish factor XI deficiency mutant alleles in one study (Asakai_1989_PMID:2813350; Asakai_1991_PMID:2052060; Mitchell_2006_PMID:16835901). The variant was identified in dbSNP (ID: rs121965064), ClinVar (classified as pathogenic by Counsyl, EGL Genetics, Illumina and Invitae, and as likely pathogenic by Fulgent Genetics) and LOVD 3.0 (classified as pathogenic and likely pathogenic). The variant was identified in control databases in 297 of 282824 chromosomes (5 homozygous) at a frequency of 0.00105 (Genome Aggregation Database March 6, 2019, v2.1.1). The variant was observed in the following populations: Ashkenazi Jewish in 247 of 10368 chromosomes (freq: 0.02382), Other in 13 of 7226 chromosomes (freq: 0.001799), European (non-Finnish) in 33 of 129144 chromosomes (freq: 0.000256) and Latino in 4 of 35438 chromosomes (freq: 0.000113), but was not observed in the African, East Asian, European (Finnish), or South Asian populations. The p.Phe301 residue is conserved in mammals and computational analyses (PolyPhen-2, SIFT, AlignGVGD, BLOSUM, MutationTaster) provide inconsistent predictions regarding the impact to the protein; this information is not very predictive of pathogenicity. The variant occurs outside of the splicing consensus sequence and in silico or computational prediction software programs (SpliceSiteFinder, MaxEntScan, NNSPLICE, GeneSplicer) do not predict a difference in splicing. Functional expression of the p.F301L mutant human factor XI protein demonstrated impaired dimerization leading reduced secretion compared to wildtype (Meijers_1992_PMID:1547342). In summary, based on the above information this variant meets our laboratoryâ€šÃ„Ã´s criteria to be classified as pathogenic.

Literature cited by the submitters: PubMed 16835901 (cited by 6 submitters); PubMed 15026311 (cited by 6 submitters); PubMed 1547342 (cited by 7 submitters); PubMed 2052060 (cited by 7 submitters); PubMed 2813350 (cited by 6 submitters); PubMed 19652879 (cited by 4 submitters); PubMed 23929304 (cited by Labcorp Genetics (formerly Invitae), Labcorp and Dasa); PubMed 29178608 (cited by Variantyx, Inc. and Mayo Clinic Laboratories, Mayo Clinic); PubMed 29138690 (cited by Mayo Clinic Laboratories, Mayo Clinic); PubMed 32166871 (cited by Mayo Clinic Laboratories, Mayo Clinic); PubMed 18446632 (cited by Victorian Clinical Genetics Services, Murdoch Childrens Research Institute); PubMed 32118380 (cited by Victorian Clinical Genetics Services, Murdoch Childrens Research Institute); PubMed 31064749 (cited by NIHR Bioresource Rare Diseases, University of Cambridge); PubMed 26558335 (cited by Illumina Laboratory Services, Illumina); PubMed 34355501 (cited by ISTH-SSC Genomics in Thrombosis and Hemostasis, KU Leuven, Center for Molecular and Vascular Biology).